The following is an entry in ClinVar:

ClinVar aggregate classification (germline): Benign (1 of 4 stars; one submission).

Allele frequency attached by ClinVar (database versions not stated): 1000 Genomes Project 30x 0.02811; 1000 Genomes Project 0.02875; TOPMed 0.05223; gnomAD 0.05749 and 0.05818.
gnomAD v4.1: 8,768 of 152,246 alleles (5.8%); highest among the groups gnomAD compares: Non-Finnish European, 8.7%; 350 homozygotes.

Submission:

GeneDx
Classification: Benign. Last evaluated: 2018-06-19. Review status: criteria provided, single submitter. Criteria: GeneDx Variant Classification (06012015). Collection method: clinical testing. Allele origin: germline. Affected: yes.
Comment: This variant is considered likely benign or benign based on one or more of the following criteria: it is a conservative change, it occurs at a poorly conserved position in the protein, it is predicted to be benign by multiple in silico algorithms, and/or has population frequency not consistent with disease.

NM_017837.4(PIGV):c.1201-190G>A

Gene: PIGV (phosphatidylinositol glycan anchor biosynthesis class V; plus strand). Cytogenetic location: 1p36.11.
Variant type: single nucleotide variant.
Coding change: c.1201-190G>A on transcript NM_017837.4 (MANE Select); 190 bases into the intron before coding-DNA position 1201, G replaced by A.
Molecular consequence: intron variant.
Genome position (GRCh38, 1-based): chr1:26,797,373, G>A. VCF-style: chr1-26797373-G-A. GRCh37 (hg19) VCF-style: chr1-27123864-G-A.
Other names: c.1201-190G>A (NM_001374478.1, NM_001374480.1, NM_001374481.1 and 2 more transcripts); c.574-190G>A (NM_001374484.1, NM_001374485.1); c.820-190G>A (NM_001374483.1); c.79-190G>A (NM_001374486.1).
Identifiers: ClinVar variation 667859 (VCV000667859.1), dbSNP rs74827250, ClinGen allele CA19836504.